The following is an entry in ClinVar:

ClinVar aggregate classification (germline): Uncertain significance (1 of 4 stars; one submission).

Conditions:
Multiple endocrine neoplasia type 4. Also called: MULTIPLE ENDOCRINE NEOPLASIA, TYPE IV. Identifiers: Orphanet 276152, MedGen C1970712, MONDO:0012552, OMIM 610755.

Submission:

Labcorp Genetics (formerly Invitae), Labcorp
Classification: Uncertain significance for Multiple endocrine neoplasia type 4. Last evaluated: 2025-10-28. Review status: criteria provided, single submitter. Criteria: Invitae Variant Classification Sherloc (09022015). Collection method: clinical testing. Allele origin: germline.
Comment: This sequence change replaces arginine, which is basic and polar, with glutamine, which is neutral and polar, at codon 43 of the CDKN1B protein (p.Arg43Gln). This variant is not present in population databases (gnomAD no frequency). This variant has not been reported in the literature in individuals affected with CDKN1B-related conditions. An algorithm developed to predict the effect of missense changes on protein structure and function outputs the following: PolyPhen-2: "Benign". The glutamine amino acid residue is found in multiple mammalian species, which suggests that this missense change does not adversely affect protein function. In summary, the available evidence is currently insufficient to determine the role of this variant in disease. Therefore, it has been classified as a Variant of Uncertain Significance.

NM_004064.5(CDKN1B):c.128G>A (p.Arg43Gln)

Gene: CDKN1B (cyclin dependent kinase inhibitor 1B; plus strand). Cytogenetic location: 12p13.1.
Variant type: single nucleotide variant.
Coding change: c.128G>A on transcript NM_004064.5 (MANE Select); coding-DNA position 128, G replaced by A.
Protein change: p.Arg43Gln; replaces arginine 43 with glutamine.
Molecular consequence: missense variant.
Genome position (GRCh38, 1-based): chr12:12,717,967, G>A. VCF-style: chr12-12717967-G-A. GRCh37 (hg19) VCF-style: chr12-12870901-G-A.
Other names: short protein forms R43Q.
Identifiers: ClinVar variation 4746532 (VCV004746532.1).
Genomic context (GRCh38, chr12:12,717,967, plus strand): 5'-ACCCCAAGCCCTCGGCCTGCAGGAACCTCTTCGGCCCGGTGGACCACGAAGAGTTAACCC[G>A]GGACTTGGAGAAGCACTGCAGAGACATGGAAGAGGCGAGCCAGCGCAAGTGGAATTTCGA-3'
Protein context (NP_004055.1, residues 33-53): FGPVDHEELT[Arg43Gln]DLEKHCRDME